The following is an entry in ClinVar:

NM_000642.3(AGL):c.2011G>A (p.Val671Ile)

Gene: AGL (amylo-alpha-1,6-glucosidase and 4-alpha-glucanotransferase; plus strand). Cytogenetic location: 1p21.2.
Variant type: single nucleotide variant.
Coding change: c.2011G>A on transcript NM_000642.3 (MANE Select); coding-DNA position 2011, G replaced by A.
Protein change: p.Val671Ile; replaces valine 671 with isoleucine.
Molecular consequence: missense variant.
Genome position (GRCh38, 1-based): chr1:99,881,301, G>A. VCF-style: chr1-99881301-G-A. GRCh37 (hg19) VCF-style: chr1-100346857-G-A.
Other names: c.2011G>A, p.Val671Ile (NM_000028.3, NM_000643.3, NM_000644.3 and 2 more transcripts); c.1963G>A, p.Val655Ile (NM_000646.3); c.1810G>A, p.Val604Ile (NM_001425327.1); c.1807G>A, p.Val603Ile (NM_001425328.1, NM_001425329.1); c.1633G>A, p.Val545Ile (NM_001425332.1); c.2011G>A (NM_000642.2); short protein forms V655I, V671I, V545I, V603I, V604I.
Identifiers: ClinVar variation 1008131 (VCV001008131.7), dbSNP rs1243258727, ClinGen allele CA341318492.

ClinVar aggregate classification (germline): Uncertain significance. Review status: criteria provided, single submitter (1 of 4 stars). 2 submissions from 2 submitters: Uncertain significance (1). 1 of the submissions does not count toward it. Last evaluated 2021-08-28.

Conditions:
Glycogen storage disease type III (GSD3). Also called: Cori disease; FORBES DISEASE. Identifiers: Orphanet 366, MedGen C0017922, MONDO:0009291, OMIM 232400.

Allele frequency attached by ClinVar (database versions not stated): gnomAD exomes below 0.00001 and 0.00001; gnomAD 0.00001.
gnomAD v4.1: 6 of 1,613,948 alleles (0.00037%); highest among the groups gnomAD compares: Non-Finnish European, 0.00051%; no homozygotes.

Submissions (2):

Labcorp Genetics (formerly Invitae), Labcorp
Classification: Uncertain significance for Glycogen storage disease type III. Last evaluated: 2021-08-28. Review status: criteria provided, single submitter. Criteria: Invitae Variant Classification Sherloc (09022015). Collection method: clinical testing. Allele origin: germline.
Comment: This sequence change replaces valine with isoleucine at codon 671 of the AGL protein (p.Val671Ile). The valine residue is highly conserved and there is a small physicochemical difference between valine and isoleucine. This variant is not present in population databases (ExAC no frequency). This variant has not been reported in the literature in individuals affected with AGL-related conditions. Algorithms developed to predict the effect of missense changes on protein structure and function are either unavailable or do not agree on the potential impact of this missense change (SIFT: "Deleterious"; PolyPhen-2: "Possibly Damaging"; Align-GVGD: "Class C0"). In summary, the available evidence is currently insufficient to determine the role of this variant in disease. Therefore, it has been classified as a Variant of Uncertain Significance.

Natera, Inc.
Classification: Uncertain significance for Glycogen storage disease type III. Last evaluated: 2025-04-10. Review status: no assertion criteria provided. Collection method: clinical testing. Allele origin: germline. Not counted in ClinVar's aggregate classification.